The following is an entry in ClinVar:

NM_004415.4(DSP):c.3630T>A (p.Tyr1210Ter)

Gene: DSP (desmoplakin; plus strand). Cytogenetic location: 6p24.3.
Variant type: single nucleotide variant.
Coding change: c.3630T>A on transcript NM_004415.4 (MANE Select); coding-DNA position 3630, T replaced by A.
Protein change: p.Tyr1210Ter; replaces tyrosine 1210 with a stop codon.
Molecular consequence: nonsense. On other transcripts: intron variant (1).
Genome position (GRCh38, 1-based): chr6:7,579,820, T>A. VCF-style: chr6-7579820-T-A. GRCh37 (hg19) VCF-style: chr6-7580053-T-A.
Other names: p.Y1210*:TAT>TAA; c.3630T>A, p.Tyr1210Ter (NM_001319034.2); c.3582+48T>A (NM_001008844.3); short protein forms Y1210*.
Identifiers: ClinVar variation 163265 (VCV000163265.17), dbSNP rs727503001, ClinGen allele CA004366.

ClinVar aggregate classification (germline): Pathogenic/Likely pathogenic. Review status: criteria provided, multiple submitters, no conflicts (2 of 4 stars). 4 submissions from 4 submitters: Pathogenic (3); Likely pathogenic (1). Last evaluated 2025-09-03.

Conditions:
Cardiovascular phenotype. Identifiers: MedGen CN230736.
Primary dilated cardiomyopathy (DCM). Also called: Dilated Cardiomyopathy. Identifiers: Orphanet 217604, MedGen C0007193, MeSH D002311, MONDO:0005021, HP:0001644. Inheritance: Various modes of inheritance.
Arrhythmogenic right ventricular cardiomyopathy (ARVD). Also called: Arrhythmogenic cardiomyopathy; Arrhythmogenic Right Ventricular Cardiomyopathy (ARVC); Cardiomyopathy, ARVC; Arrhythmogenic right ventricular dysplasia. Identifiers: Orphanet 247, MedGen C0349788, MeSH D019571, MONDO:0016587. Disease mechanism: loss of function. Inheritance: Various modes of inheritance.
Arrhythmogenic cardiomyopathy with wooly hair and keratoderma. Also called: Dilated cardiomyopathy with woolly hair and keratoderma; Arrhythmogenic cardiomyopathy with woolly hair and keratoderma; PALMOPLANTAR KERATODERMA WITH LEFT VENTRICULAR CARDIOMYOPATHY AND WOOLLY HAIR; Carvajal syndrome. Identifiers: Orphanet 65282, MedGen C1854063, MONDO:0011581, OMIM 605676.
Arrhythmogenic right ventricular dysplasia 8 (ARVD8). Also called: Arrhythmogenic Right Ventricular Dysplasia/Cardiomyopathy 8; ARRHYTHMOGENIC RIGHT VENTRICULAR DYSPLASIA, FAMILIAL, 8; ARRHYTHMOGENIC RIGHT VENTRICULAR CARDIOMYOPATHY 8. Identifiers: MedGen C1843896, MONDO:0011831, OMIM 607450.

Allele frequency attached by ClinVar (database versions not stated): gnomAD exomes below 0.00001.

Submissions (4):

GeneDx
Classification: Pathogenic. Last evaluated: 2025-09-03. Review status: criteria provided, single submitter. Criteria: GeneDx Variant Classification Process June 2021. Collection method: clinical testing. Allele origin: germline. Affected: yes.
Comment: Identified in individuals with features of desmoplakin cardiomyopathy referred for genetic testing at GeneDx and in published literature (PMID: 31737537, 32372669); Not observed at significant frequency in large population cohorts (gnomAD); Nonsense variant predicted to result in protein truncation or nonsense mediated decay in a gene for which loss of function is a known mechanism of disease; This variant is associated with the following publications: (PMID: 32372669, 31737537, 29633331)

Labcorp Genetics (formerly Invitae), Labcorp
Classification: Pathogenic for Arrhythmogenic cardiomyopathy with wooly hair and keratoderma; Arrhythmogenic right ventricular dysplasia 8. Last evaluated: 2024-11-15. Review status: criteria provided, single submitter. Criteria: Invitae Variant Classification Sherloc (09022015). Collection method: clinical testing. Allele origin: germline.
Comment: This sequence change creates a premature translational stop signal (p.Tyr1210*) in the DSP gene. It is expected to result in an absent or disrupted protein product. Loss-of-function variants in DSP are known to be pathogenic (PMID: 20716751, 24503780, 25227139). This variant is not present in population databases (gnomAD no frequency). This premature translational stop signal has been observed in individual(s) with dilated cardiomyopathy and/or epidermolysis bullosa (PMID: 29633331, 31737537, 32372669). ClinVar contains an entry for this variant (Variation ID: 163265). For these reasons, this variant has been classified as Pathogenic.

Ambry Genetics
Classification: Pathogenic for Cardiovascular phenotype. Last evaluated: 2023-03-24. Review status: criteria provided, single submitter. Criteria: Ambry Variant Classification Scheme 2023. Collection method: clinical testing. Allele origin: germline.
Comment: The p.Y1210* pathogenic mutation (also known as c.3630T>A), located in coding exon 23 of the DSP gene, results from a T to A substitution at nucleotide position 3630. This changes the amino acid from a tyrosine to a stop codon within coding exon 23. This alteration has been reported in subjects with dilated cardiomyopathy (DCM) and has been reported in an exome sequencing cohort (Haggerty CM et al. Genet Med, 2017 Nov;19:1245-1252; Marschall C et al. Cardiovasc Diagn Ther, 2019 Oct;9:S292-S298; Ambry internal data). This alteration has also been reported as a compound heterozygote in a child with skin erosions, alopecia, nail dystrophy, follicular hyperkeratosis and palmoplantar keratoderma (Bari O et al. Pediatr Dermatol, 2018 Jul;35:e218-e220). This variant is considered to be rare based on population cohorts in the Genome Aggregation Database (gnomAD). Alterations in DSP that result in haploinsufficiency or protein truncation have been reported in additional patients with ARVC and DCM (Fressart V et al. Europace. 2010;12(6):861-8; Elliott P et al. Circ Cardiovasc Genet. 2010;3(4):314-22; Quarta G et al. Circulation. 2011;123(23):2701-9; Garcia-Pavia P et al. Heart. 2011;97(21):1744-52; Rasmussen TB et al. Clin Genet. 2013;84(1):20-30; Pugh TJ et al. Genet Med. 2014;16(8):601-8). This alteration is expected to result in loss of function by premature protein truncation or nonsense-mediated mRNA decay. As such, this alteration is interpreted as a disease-causing mutation.

Laboratory for Molecular Medicine, Mass General Brigham Personalized Medicine
Classification: Likely pathogenic for Arrhythmogenic right ventricular cardiomyopathy; Primary dilated cardiomyopathy. Last evaluated: 2013-08-16. Review status: criteria provided, single submitter. Criteria: LMM Criteria. Collection method: clinical testing. Allele origin: germline. Inheritance: Autosomal dominant inheritance. Observed: 1 variant allele.
Comment: The Tyr1210X variant in DSP has not been reported in individuals with cardiomyop athy or in large population studies. This nonsense variant leads to a premature termination codon at position 1210, which is predicted to lead to a truncated or absent protein. Frameshift and nonsense variants in DSP have been reported in p atients with ARVC and DCM (Elliott 2010, Garcia-Pavi a 2011). In summary, this variant is likely to be pathogenic, though additional studies are required to fully establish its clinical significance.

Literature cited by the submitters: PubMed 20716751 (cited by Labcorp Genetics (formerly Invitae), Labcorp); PubMed 24503780 (cited by Labcorp Genetics (formerly Invitae), Labcorp); PubMed 25227139 (cited by Labcorp Genetics (formerly Invitae), Labcorp); PubMed 29633331 (cited by Labcorp Genetics (formerly Invitae), Labcorp and Ambry Genetics); PubMed 31737537 (cited by Labcorp Genetics (formerly Invitae), Labcorp and Ambry Genetics); PubMed 32372669 (cited by Labcorp Genetics (formerly Invitae), Labcorp); PubMed 28471438 (cited by Ambry Genetics).